The following is an entry in ClinVar:

NM_001244710.2(GFPT1):c.283C>T (p.Arg95Cys)

Gene: GFPT1 (glutamine--fructose-6-phosphate transaminase 1; minus strand). Cytogenetic location: 2p13.3.
Variant type: single nucleotide variant.
Coding change: c.283C>T on transcript NM_001244710.2 (MANE Select); coding-DNA position 283, C replaced by T.
Protein change: p.Arg95Cys; replaces arginine 95 with cysteine.
Molecular consequence: missense variant.
Genome position (GRCh38, 1-based): chr2:69,363,611, G>A on the plus strand (C>T on the coding strand, the complement: GFPT1 is on the minus strand). VCF-style: chr2-69363611-G-A. GRCh37 (hg19) VCF-style: chr2-69590743-G-A.
Other names: c.283C>T, p.Arg95Cys (NM_002056.4); short protein forms R95C.
Identifiers: ClinVar variation 1954057 (VCV001954057.2), dbSNP rs2466129139, ClinGen allele CA347133610.
Genomic context (GRCh38, chr2:69,363,611, plus strand): 5'-TTTTATCAGAGCGCTGGGGGTGGCTATTGACAGGACTGGGTTCTCCATGTGTTGCCCAAC[G>A]GGTATGAGCTATTCCAAGGTGTACATCAAATTCTATATCCAAATCCATATCTTGTTGCTC-3'
Protein context (NP_001231639.1, residues 85-105): FDVHLGIAHT[Arg95Cys]WATHGEPSPV

ClinVar aggregate classification (germline): Uncertain significance (1 of 4 stars; one submission).

Conditions:
Congenital myasthenic syndrome 12 (CMS12). Also called: Myasthenia, congenital, 12, with tubular aggregates; MYASTHENIC SYNDROME, CONGENITAL, WITH TUBULAR AGGREGATES 1. Identifiers: Orphanet 353327, Orphanet 590, MedGen C3552335, MONDO:0012518, OMIM 610542.

Submission:

Labcorp Genetics (formerly Invitae), Labcorp
Classification: Uncertain significance for Congenital myasthenic syndrome 12. Last evaluated: 2022-02-14. Review status: criteria provided, single submitter. Criteria: Invitae Variant Classification Sherloc (09022015). Collection method: clinical testing. Allele origin: germline.
Comment: This sequence change replaces arginine, which is basic and polar, with cysteine, which is neutral and slightly polar, at codon 95 of the GFPT1 protein (p.Arg95Cys). This variant is not present in population databases (gnomAD no frequency). This variant has not been reported in the literature in individuals affected with GFPT1-related conditions. Algorithms developed to predict the effect of missense changes on protein structure and function are either unavailable or do not agree on the potential impact of this missense change (SIFT: "Deleterious"; PolyPhen-2: "Probably Damaging"; Align-GVGD: "Class C0"). In summary, the available evidence is currently insufficient to determine the role of this variant in disease. Therefore, it has been classified as a Variant of Uncertain Significance.